The following is an entry in ClinVar:

ClinVar aggregate classification (germline): Uncertain significance (1 of 4 stars; one submission).

Conditions:
Joubert syndrome. Also called: CEREBELLOPARENCHYMAL DISORDER IV; JOUBERT-BOLTSHAUSER SYNDROME; Familial aplasia of the vermis. Identifiers: Orphanet 475, MedGen C5979921, MONDO:0018772.
Orofaciodigital syndrome I (OFD1). Also called: OFDS I; Papillon-Leage and Psaume Syndrome; Oral-Facial-Digital Syndrome Type I. Identifiers: Orphanet 2750, MedGen C1510460, MONDO:0010702, OMIM 311200.

Allele frequency attached by ClinVar (database versions not stated): gnomAD exomes below 0.00001; TOPMed 0.00001; gnomAD 0.00002.
gnomAD v4.1: 3 of 1,200,830 alleles (0.00025%); highest among the groups gnomAD compares: East Asian, 0.0059%; no homozygotes.

Submission:

Labcorp Genetics (formerly Invitae), Labcorp
Classification: Uncertain significance for Orofaciodigital syndrome I; Joubert syndrome. Last evaluated: 2024-03-26. Review status: criteria provided, single submitter. Criteria: Invitae Variant Classification Sherloc (09022015). Collection method: clinical testing. Allele origin: germline.
Comment: This sequence change replaces lysine, which is basic and polar, with arginine, which is basic and polar, at codon 807 of the OFD1 protein (p.Lys807Arg). This variant is not present in population databases (gnomAD no frequency). This variant has not been reported in the literature in individuals affected with OFD1-related conditions. ClinVar contains an entry for this variant (Variation ID: 1717557). Advanced modeling of protein sequence and biophysical properties (such as structural, functional, and spatial information, amino acid conservation, physicochemical variation, residue mobility, and thermodynamic stability) performed at Invitae indicates that this missense variant is not expected to disrupt OFD1 protein function with a negative predictive value of 80%. In summary, the available evidence is currently insufficient to determine the role of this variant in disease. Therefore, it has been classified as a Variant of Uncertain Significance.

NM_003611.3(OFD1):c.2420A>G (p.Lys807Arg)

Gene: OFD1 (OFD1 centriole and centriolar satellite protein; plus strand). Cytogenetic location: Xp22.2.
Variant type: single nucleotide variant.
Coding change: c.2420A>G on transcript NM_003611.3 (MANE Select); coding-DNA position 2420, A replaced by G.
Protein change: p.Lys807Arg; replaces lysine 807 with arginine.
Molecular consequence: missense variant.
Genome position (GRCh38, 1-based): chrX:13,762,376, A>G. VCF-style: chrX-13762376-A-G. GRCh37 (hg19) VCF-style: chrX-13780495-A-G.
Other names: c.2300A>G, p.Lys767Arg (NM_001330209.2); c.2000A>G, p.Lys667Arg (NM_001330210.2); short protein forms K667R, K767R, K807R.
Identifiers: ClinVar variation 1717557 (VCV001717557.6), dbSNP rs756198115, ClinGen allele CA412345224.